The following is an entry in ClinVar:

ClinVar aggregate classification (germline): Uncertain significance (1 of 4 stars; one submission).

Conditions:
Neurodevelopmental disorder with or without variable brain abnormalities; NEDBA. Also called: NEURODEVELOPMENTAL DISORDER WITH OR WITHOUT VARIABLE BRAIN ABNORMALITIES. Identifiers: MedGen C5193102, MONDO:0032755, OMIM 618443.

Submission:

3billion
Classification: Uncertain significance for Neurodevelopmental disorder with or without variable brain abnormalities; NEDBA. Review status: criteria provided, single submitter. Criteria: ACMG Guidelines, 2015. Collection method: clinical testing. Allele origin: unknown. Affected: yes. Observed: 1 heterozygote.
Comment: The variant is not observed in the gnomAD v2.1.1 dataset. Inframe deletion located in a nonrepeat region: predicted to change the length of the protein and disrupt normal protein function. Therefore, this variant is classified as Uncertain significance according to the recommendation of ACMG/AMP guideline.

NM_001318852.2(MAPK8IP3):c.1323GAA[1] (p.Lys442del)

Gene: MAPK8IP3 (mitogen-activated protein kinase 8 interacting protein 3; plus strand). Cytogenetic location: 16p13.3.
Variant type: Microsatellite.
Coding change: c.1323GAA[1] on transcript NM_001318852.2 (MANE Select); one copy of the 3-base unit GAA starting at c.1323; the reference has two copies in a row; one copy, 3 bases deleted; also written c.1326_1328del.
Protein change: p.Lys442del; deletes lysine 442.
Molecular consequence: inframe deletion. On other transcripts: inframe indel (1).
Genome position (GRCh38, 1-based): chr16:1,760,401-1,760,403, GAA deleted; deleting any 3 consecutive bases within chr16:1,760,398-1,760,403 gives the same sequence; the position shown is the placement nearest the transcript's 3' end. VCF-style (leftmost placement, unchanged base first): chr16-1760397-TGAA-T. GRCh37 (hg19) VCF-style: chr16-1810398-TGAA-T.
Other names: c.1302GAA[1], p.Lys435del (NM_001040439.2); c.1320GAA[1], p.Lys441del (NM_015133.5); c.1320_1322GAA[1], p.Lys441del (NM_033392.3); c.1326_1328del (NM_001318852.2); short protein forms K435del, K441del, K442del.
Identifiers: ClinVar variation 2572515 (VCV002572515.1), dbSNP rs2548090510, ClinGen allele CA2580613361.